The following is an entry in ClinVar:

NM_018060.4(IARS2):c.2906T>C (p.Ile969Thr)

Gene: IARS2 (isoleucyl-tRNA synthetase 2, mitochondrial; plus strand). Cytogenetic location: 1q41.
Variant type: single nucleotide variant.
Coding change: c.2906T>C on transcript NM_018060.4 (MANE Select); coding-DNA position 2906, T replaced by C.
Protein change: p.Ile969Thr; replaces isoleucine 969 with threonine.
Molecular consequence: missense variant.
Genome position (GRCh38, 1-based): chr1:220,147,502, T>C. VCF-style: chr1-220147502-T-C. GRCh37 (hg19) VCF-style: chr1-220320844-T-C.
Other names: short protein forms I969T.
Identifiers: ClinVar variation 1357626 (VCV001357626.6), dbSNP rs2102845383, ClinGen allele CA344619833.
Genomic context (GRCh38, chr1:220,147,502, plus strand): 5'-TGTTACAAGTTGAATGCCTATCAGAAATACTCTTCATGTATTTTTTTATAGGTGGTGATA[T>C]TCGTGAAGAGTCTTCCTATAAAGTAATTGTCATGCCGACTACGAAAGAAAAATGCCCCCG-3'
Protein context (NP_060530.3, residues 959-979): KFLINLEGGD[Ile969Thr]REESSYKVIV

ClinVar aggregate classification (germline): Uncertain significance (1 of 4 stars; one submission).

Submission:

Labcorp Genetics (formerly Invitae), Labcorp
Classification: Uncertain significance. Last evaluated: 2023-08-17. Review status: criteria provided, single submitter. Criteria: Invitae Variant Classification Sherloc (09022015). Collection method: clinical testing. Allele origin: germline.
Comment: In summary, the available evidence is currently insufficient to determine the role of this variant in disease. Therefore, it has been classified as a Variant of Uncertain Significance. An algorithm developed to predict the effect of missense changes on protein structure and function (PolyPhen-2) suggests that this variant is likely to be disruptive. ClinVar contains an entry for this variant (Variation ID: 1357626). This variant has not been reported in the literature in individuals affected with IARS2-related conditions. This variant is not present in population databases (gnomAD no frequency). This sequence change replaces isoleucine, which is neutral and non-polar, with threonine, which is neutral and polar, at codon 969 of the IARS2 protein (p.Ile969Thr).